The following is an entry in ClinVar:

NM_016180.5(SLC45A2):c.662T>C (p.Phe221Ser)

Gene: SLC45A2 (solute carrier family 45 member 2; minus strand). Cytogenetic location: 5p13.2.
Variant type: single nucleotide variant.
Coding change: c.662T>C on transcript NM_016180.5 (MANE Select); coding-DNA position 662, T replaced by C.
Protein change: p.Phe221Ser; replaces phenylalanine 221 with serine.
Molecular consequence: missense variant. On other transcripts: intron variant (1).
Genome position (GRCh38, 1-based): chr5:33,963,917, A>G on the plus strand (T>C on the coding strand, the complement: SLC45A2 is on the minus strand). VCF-style: chr5-33963917-A-G. GRCh37 (hg19) VCF-style: chr5-33964022-A-G.
Other names: c.662T>C, p.Phe221Ser (NM_001012509.4); c.563-9413T>C (NM_001297417.4); short protein forms F221S.
Identifiers: ClinVar variation 1478130 (VCV001478130.4), dbSNP rs1752524746, ClinGen allele CA359394059.

ClinVar aggregate classification (germline): Uncertain significance (1 of 4 stars; one submission).

Allele frequency attached by ClinVar (database versions not stated): gnomAD exomes 0.00001; TOPMed below 0.00001.
gnomAD v4.1: 15 of 1,614,186 alleles (0.00093%); highest among the groups gnomAD compares: Non-Finnish European, 0.0013%; no homozygotes.

Submission:

Labcorp Genetics (formerly Invitae), Labcorp
Classification: Uncertain significance. Last evaluated: 2025-08-11. Review status: criteria provided, single submitter. Criteria: Invitae Variant Classification Sherloc (09022015). Collection method: clinical testing. Allele origin: germline.
Comment: This sequence change replaces phenylalanine, which is neutral and non-polar, with serine, which is neutral and polar, at codon 221 of the SLC45A2 protein (p.Phe221Ser). This variant is not present in population databases (gnomAD no frequency). This variant has not been reported in the literature in individuals affected with SLC45A2-related conditions. ClinVar contains an entry for this variant (Variation ID: 1478130). Invitae Evidence Modeling of protein sequence and biophysical properties (such as structural, functional, and spatial information, amino acid conservation, physicochemical variation, residue mobility, and thermodynamic stability) indicates that this missense variant is expected to disrupt SLC45A2 protein function with a positive predictive value of 80%. In summary, the available evidence is currently insufficient to determine the role of this variant in disease. Therefore, it has been classified as a Variant of Uncertain Significance.